The following is an entry in ClinVar:

ClinVar aggregate classification (germline): Uncertain significance (1 of 4 stars; one submission).

Conditions:
Developmental and epileptic encephalopathy, 14 (DEE14). Also called: Early infantile epileptic encephalopathy 14. Identifiers: Orphanet 293181, MedGen C3554195, MONDO:0013989, OMIM 614959.
Autosomal dominant nocturnal frontal lobe epilepsy 5. Also called: KCNT1-Related Epilepsy; CILIARY DYSKINESIA, PRIMARY, 28, WITH SITUS INVERSUS; Epilepsy, nocturnal frontal lobe, 5; CILIARY DYSKINESIA, PRIMARY, 28, WITHOUT SITUS INVERSUS. Identifiers: Orphanet 98784, MedGen C3554306, MONDO:0014002, OMIM 615005.

Allele frequency attached by ClinVar (database versions not stated): gnomAD exomes 0.00002 and 0.00001; gnomAD 0.00001 and 0.00002; TOPMed 0.00001; ExAC 0.00002.
gnomAD v4.1: 25 of 1,609,808 alleles (0.0016%); highest among the groups gnomAD compares: Middle Eastern, 0.017%; no homozygotes.

Submission:

Labcorp Genetics (formerly Invitae), Labcorp
Classification: Uncertain significance for Autosomal dominant nocturnal frontal lobe epilepsy 5; Developmental and epileptic encephalopathy, 14. Last evaluated: 2024-02-11. Review status: criteria provided, single submitter. Criteria: Invitae Variant Classification Sherloc (09022015). Collection method: clinical testing. Allele origin: germline.
Comment: This sequence change replaces arginine, which is basic and polar, with glutamine, which is neutral and polar, at codon 780 of the KCNT1 protein (p.Arg780Gln). This variant is present in population databases (rs780759196, gnomAD 0.007%). This variant has not been reported in the literature in individuals affected with KCNT1-related conditions. ClinVar contains an entry for this variant (Variation ID: 1423793). Advanced modeling of protein sequence and biophysical properties (such as structural, functional, and spatial information, amino acid conservation, physicochemical variation, residue mobility, and thermodynamic stability) performed at Invitae indicates that this missense variant is not expected to disrupt KCNT1 protein function with a negative predictive value of 80%. In summary, the available evidence is currently insufficient to determine the role of this variant in disease. Therefore, it has been classified as a Variant of Uncertain Significance.

NM_020822.3(KCNT1):c.2339G>A (p.Arg780Gln)

Gene: KCNT1 (potassium sodium-activated channel subfamily T member 1; plus strand). Cytogenetic location: 9q34.3.
Variant type: single nucleotide variant.
Coding change: c.2339G>A on transcript NM_020822.3 (MANE Select); coding-DNA position 2339, G replaced by A.
Protein change: p.Arg780Gln; replaces arginine 780 with glutamine.
Molecular consequence: missense variant.
Genome position (GRCh38, 1-based): chr9:135,775,405, G>A. VCF-style: chr9-135775405-G-A. GRCh37 (hg19) VCF-style: chr9-138667251-G-A.
Other names: c.2204G>A, p.Arg735Gln (NM_001272003.2); short protein forms R735Q, R780Q.
Identifiers: ClinVar variation 1423793 (VCV001423793.6), dbSNP rs780759196, ClinGen allele CA5327260.